The following is an entry in ClinVar:

NM_006073.4(TRDN):c.1257C>A (p.Asp419Glu)

Gene: TRDN (triadin; minus strand). Cytogenetic location: 6q22.31.
Variant type: single nucleotide variant.
Coding change: c.1257C>A on transcript NM_006073.4 (MANE Select); coding-DNA position 1257, C replaced by A.
Protein change: p.Asp419Glu; replaces aspartic acid 419 with glutamic acid.
Molecular consequence: missense variant.
Genome position (GRCh38, 1-based): chr6:123,375,621, G>T on the plus strand (C>A on the coding strand, the complement: TRDN is on the minus strand). VCF-style: chr6-123375621-G-T. GRCh37 (hg19) VCF-style: chr6-123696766-G-T.
Other names: c.1260C>A, p.Asp420Glu (NM_001251987.2); short protein forms D419E, D420E.
Identifiers: ClinVar variation 227108 (VCV000227108.28), dbSNP rs17737379, ClinGen allele CA3984031.

ClinVar aggregate classification (germline): Benign/Likely benign. Review status: criteria provided, multiple submitters, no conflicts (2 of 4 stars). 11 submissions from 11 submitters: Benign (8); Likely benign (1). 2 of the submissions do not count toward it. Last evaluated 2026-09-21.

Conditions:
Cardiovascular phenotype. Identifiers: MedGen CN230736.
Catecholaminergic polymorphic ventricular tachycardia 1. Also called: VENTRICULAR TACHYCARDIA, CATECHOLAMINERGIC POLYMORPHIC, 1, WITH OR WITHOUT ATRIAL DYSFUNCTION AND/OR DILATED CARDIOMYOPATHY; RYR2-Related Catecholaminergic Polymorphic Ventricular Tachycardia; VENTRICULAR TACHYCARDIA, STRESS-INDUCED POLYMORPHIC 1. Identifiers: Orphanet 3286, MedGen C1631597, MONDO:0011484, OMIM 604772.

Allele frequency attached by ClinVar (database versions not stated): gnomAD exomes 0.11367; gnomAD 0.17356; TOPMed 0.17851; 1000 Genomes Project 0.14736; 1000 Genomes Project 30x 0.15319; ESP Exome Variant Server 0.16120.
gnomAD v4.1: 187,382 of 1,515,306 alleles (12%); highest among the groups gnomAD compares: African/African-American, 29%; 13,481 homozygotes.

Submissions (11):

Molecular Diagnostic Laboratory for Inherited Cardiovascular Disease, Montreal Heart Institute
Classification: Benign. Last evaluated: 2026-09-21. Review status: criteria provided, single submitter. Criteria: ACMG Guidelines, 2015. Collection method: clinical testing. Allele origin: germline. Affected: no.

Labcorp Genetics (formerly Invitae), Labcorp
Classification: Benign for Catecholaminergic polymorphic ventricular tachycardia 1. Last evaluated: 2026-02-04. Review status: criteria provided, single submitter. Criteria: Invitae Variant Classification Sherloc (09022015). Collection method: clinical testing. Allele origin: germline.

Blueprint Genetics
Classification: Benign. Last evaluated: 2024-11-26. Review status: criteria provided, single submitter. Criteria: ACMG Guidelines, 2015. Collection method: clinical testing. Allele origin: germline.

Women's Health and Genetics/Laboratory Corporation of America, LabCorp
Classification: Likely benign. Last evaluated: 2023-04-09. Review status: criteria provided, single submitter. Criteria: LabCorp Variant Classification Summary - May 2015. Collection method: clinical testing. Allele origin: germline.

Mayo Clinic Laboratories, Mayo Clinic
Classification: Benign. Last evaluated: 2022-04-26. Review status: criteria provided, single submitter. Criteria: ACMG Guidelines, 2015. Collection method: clinical testing. Allele origin: germline. Observed: 218 variant alleles.

GeneDx
Classification: Benign. Last evaluated: 2016-09-27. Review status: criteria provided, single submitter. Criteria: GeneDx Variant Classification (06012015). Collection method: clinical testing. Allele origin: germline. Affected: yes.
Comment: This variant is considered likely benign or benign based on one or more of the following criteria: it is a conservative change, it occurs at a poorly conserved position in the protein, it is predicted to be benign by multiple in silico algorithms, and/or has population frequency not consistent with disease.

Ambry Genetics
Classification: Benign for Cardiovascular phenotype. Last evaluated: 2015-04-21. Review status: criteria provided, single submitter. Criteria: Ambry Variant Classification Scheme 2023. Collection method: clinical testing. Allele origin: germline.

Laboratory for Molecular Medicine, Mass General Brigham Personalized Medicine
Classification: Benign. Last evaluated: 2014-11-24. Review status: criteria provided, single submitter. Criteria: LMM Criteria. Collection method: clinical testing. Allele origin: germline. Observed: 165 variant alleles.
Comment: Asp419Glu in exon 19 of TRDN: This variant is not expected to have clinical sign ificance because it has been identified in 25.7% (908/3534) of African American chromosomes from a broad population by the NHLBI Exome Sequencing Project (dbSNP rs17737379).

PreventionGenetics, part of Exact Sciences
Classification: Benign. Review status: criteria provided, single submitter. Criteria: ACMG Guidelines, 2015. Collection method: clinical testing. Allele origin: germline.

Clinical Genetics, Academic Medical Center
Classification: Benign. Review status: no assertion criteria provided. Collection method: clinical testing. Allele origin: germline. Affected: yes. Study: VKGL Data-share Consensus. Not counted in ClinVar's aggregate classification.

Joint Genome Diagnostic Labs from Nijmegen and Maastricht, Radboudumc and MUMC+
Classification: Benign. Review status: no assertion criteria provided. Collection method: clinical testing. Allele origin: germline. Affected: yes. Study: VKGL Data-share Consensus. Not counted in ClinVar's aggregate classification.